The following is an entry in ClinVar:

NM_000264.5(PTCH1):c.3161G>C (p.Gly1054Ala)

Gene: PTCH1 (patched 1; minus strand). Cytogenetic location: 9q22.32.
Variant type: single nucleotide variant.
Coding change: c.3161G>C on transcript NM_000264.5 (MANE Select); coding-DNA position 3161, G replaced by C.
Protein change: p.Gly1054Ala; replaces glycine 1054 with alanine.
Molecular consequence: missense variant. On other transcripts: non-coding transcript variant (1).
Genome position (GRCh38, 1-based): chr9:95,458,020, C>G on the plus strand (G>C on the coding strand, the complement: PTCH1 is on the minus strand). VCF-style: chr9-95458020-C-G. GRCh37 (hg19) VCF-style: chr9-98220302-C-G.
Other names: c.2963G>C, p.Gly988Ala (NM_001083602.3); c.3158G>C, p.Gly1053Ala (NM_001083603.3); c.2708G>C, p.Gly903Ala (NM_001083604.3, NM_001083605.3, NM_001083606.3 and 1 more transcripts); c.3005G>C, p.Gly1002Ala (NM_001354918.2); short protein forms G1002A, G1054A, G988A, G903A, G1053A.
Identifiers: ClinVar variation 5027442 (VCV005027442.1).

ClinVar aggregate classification (germline): Uncertain significance (1 of 4 stars; one submission).

Conditions:
Hereditary cancer-predisposing syndrome. Also called: Neoplastic Syndromes, Hereditary; Tumor predisposition; Hereditary neoplastic syndrome; Hereditary Cancer Syndrome. Identifiers: Orphanet 140162, MedGen C0027672, MeSH D009386, MONDO:0015356.

Submission:

Ambry Genetics
Classification: Uncertain significance for Hereditary cancer-predisposing syndrome. Last evaluated: 2026-06-18. Review status: criteria provided, single submitter. Criteria: Ambry Variant Classification Scheme 2023. Collection method: clinical testing. Allele origin: germline.
Comment: The p.G1054A variant (also known as c.3161G>C), located in coding exon 18 of the PTCH1 gene, results from a G to C substitution at nucleotide position 3161. The glycine at codon 1054 is replaced by alanine, an amino acid with similar properties. This amino acid position is highly conserved in available vertebrate species. In addition, the in silico prediction for this alteration is inconclusive. Based on the available evidence, the clinical significance of this variant remains unclear.